The following is an entry in ClinVar:

NM_000062.3(SERPING1):c.51+3A>T

Gene: SERPING1 (serpin family G member 1; plus strand). Cytogenetic location: 11q12.1.
Variant type: single nucleotide variant.
Coding change: c.51+3A>T on transcript NM_000062.3 (MANE Select); 3 bases into the intron after coding-DNA position 51, A replaced by T.
Molecular consequence: intron variant.
Genome position (GRCh38, 1-based): chr11:57,598,324, A>T. VCF-style: chr11-57598324-A-T. GRCh37 (hg19) VCF-style: chr11-57365797-A-T.
Other names: c.51+3A>T (NM_001032295.2).
Identifiers: ClinVar variation 2972682 (VCV002972682.3), dbSNP rs2495421197, ClinGen allele CA2613603012.

ClinVar aggregate classification (germline): Likely pathogenic (1 of 4 stars; one submission).

gnomAD v4.1: 1 of 1,557,278 alleles (0.000064%); no homozygotes.

Submission:

Labcorp Genetics (formerly Invitae), Labcorp
Classification: Likely pathogenic. Last evaluated: 2023-04-10. Review status: criteria provided, single submitter. Criteria: Invitae Variant Classification Sherloc (09022015). Collection method: clinical testing. Allele origin: germline.
Comment: This variant disrupts the c.51+3A nucleotide in the SERPING1 gene. Other variant(s) that disrupt this nucleotide have been determined to be pathogenic (PMID: 15971231, 16470590, 24456027). This suggests that this nucleotide is clinically significant, and that variants that disrupt this position are likely to be disease-causing. Variants that disrupt the consensus splice site are a relatively common cause of aberrant splicing (PMID: 17576681, 9536098). Algorithms developed to predict the effect of sequence changes on RNA splicing suggest that this variant may disrupt the consensus splice site. This variant has been observed in individuals with hereditary angioedema (PMID: 30278448; Invitae). This variant is not present in population databases (gnomAD no frequency). This sequence change falls in intron 2 of the SERPING1 gene. It does not directly change the encoded amino acid sequence of the SERPING1 protein. It affects a nucleotide within the consensus splice site. In summary, the currently available evidence indicates that the variant is pathogenic, but additional data are needed to prove that conclusively. Therefore, this variant has been classified as Likely Pathogenic.

Literature cited by the submitters: PubMed 15971231; PubMed 16470590; PubMed 24456027; PubMed 17576681; PubMed 9536098; PubMed 30278448.